The following is an entry in ClinVar:

NM_003998.4(NFKB1):c.1563G>A (p.Ala521=)

Gene: NFKB1 (nuclear factor kappa B subunit 1; plus strand). Cytogenetic location: 4q24.
Variant type: single nucleotide variant.
Coding change: c.1563G>A on transcript NM_003998.4 (MANE Select); coding-DNA position 1563, G replaced by A.
Protein change: p.Ala521=; no amino-acid change (alanine 521 retained).
Molecular consequence: synonymous variant.
Genome position (GRCh38, 1-based): chr4:102,597,587, G>A. VCF-style: chr4-102597587-G-A. GRCh37 (hg19) VCF-style: chr4-103518744-G-A.
Other names: p.Ala521=; c.1560G>A, p.Ala520= (NM_001165412.2, NM_001319226.2, NM_001382627.1); c.1563G>A, p.Ala521= (NM_001382625.1, NM_001382626.1); c.1521G>A, p.Ala507= (NM_001382628.1).
Identifiers: ClinVar variation 1620840 (VCV001620840.10), dbSNP rs774948503, ClinGen allele CA3026201.

ClinVar aggregate classification (germline): Benign/Likely benign. Review status: criteria provided, multiple submitters, no conflicts (2 of 4 stars). 3 submissions from 3 submitters: Benign (1); Likely benign (2). Last evaluated 2025-10-01.

Allele frequency attached by ClinVar (database versions not stated): gnomAD 0.00005 and 0.00006; gnomAD exomes 0.00005 and 0.00015; ExAC 0.00009; TOPMed 0.00009.
gnomAD v4.1: 76 of 1,613,838 alleles (0.0047%); highest among the groups gnomAD compares: Admixed American, 0.07%; no homozygotes.

Submissions (3):

Mayo Clinic Laboratories, Mayo Clinic
Classification: Likely benign. Last evaluated: 2025-10-01. Review status: criteria provided, single submitter. Criteria: ACMG Guidelines, 2015. Collection method: clinical testing. Allele origin: germline. Observed: 1 variant allele.
Comment: BP4, BP7

Labcorp Genetics (formerly Invitae), Labcorp
Classification: Benign. Last evaluated: 2025-08-04. Review status: criteria provided, single submitter. Criteria: Invitae Variant Classification Sherloc (09022015). Collection method: clinical testing. Allele origin: germline.

Blueprint Genetics
Classification: Likely benign. Last evaluated: 2024-03-02. Review status: criteria provided, single submitter. Criteria: ACMG Guidelines, 2015. Collection method: clinical testing. Allele origin: germline.